The following is an entry in ClinVar:

NM_022124.6(CDH23):c.5747G>A (p.Arg1916His)

Gene: CDH23 (cadherin related 23; plus strand). Cytogenetic location: 10q22.1.
Variant type: single nucleotide variant.
Coding change: c.5747G>A on transcript NM_022124.6 (MANE Select); coding-DNA position 5747, G replaced by A.
Protein change: p.Arg1916His; replaces arginine 1916 with histidine.
Molecular consequence: missense variant.
Genome position (GRCh38, 1-based): chr10:71,785,665, G>A. VCF-style: chr10-71785665-G-A. GRCh37 (hg19) VCF-style: chr10-73545422-G-A.
Other names: short protein forms R1916H.
Identifiers: ClinVar variation 631640 (VCV000631640.11), dbSNP rs746971522, ClinGen allele CA5545865.

ClinVar aggregate classification (germline): Conflicting classifications of pathogenicity. Review status: criteria provided, conflicting classifications (1 of 4 stars). 6 submissions from 6 submitters: Likely pathogenic (1); Uncertain significance (5). Last evaluated 2026-09-14.

Conditions:
Autosomal recessive nonsyndromic hearing loss 12. Also called: DEAFNESS, AUTOSOMAL RECESSIVE 12. Identifiers: Orphanet 90636, MedGen C1832394, MONDO:0011067, OMIM 601386.
CDH23-related disorder. Also called: CDH23-related condition; CDH23-related disorders.
Pituitary adenoma 5, multiple types. Identifiers: MedGen C4539685, MONDO:0054601, OMIM 617540.
Usher syndrome type 1D (USH1D). Also called: USHER SYNDROME, TYPE ID. Identifiers: Orphanet 231169, Orphanet 886, MedGen C1832845, MONDO:0010984, OMIM 601067.

Allele frequency attached by ClinVar (database versions not stated): gnomAD exomes 0.00003; TOPMed 0.00003; gnomAD 0.00004 and 0.00005; ExAC 0.00006.
gnomAD v4.1: 33 of 1,607,016 alleles (0.0021%); highest among the groups gnomAD compares: South Asian, 0.017%; no homozygotes.

Submissions (6):

PreventionGenetics, part of Exact Sciences
Classification: Uncertain significance for CDH23-related condition. Last evaluated: 2026-09-14. Review status: criteria provided, single submitter. Criteria: ACMG Guidelines, 2015. Collection method: clinical testing. Allele origin: germline.
Comment: The CDH23 c.5747G>A variant is predicted to result in the amino acid substitution p.Arg1916His. This variant was reported in the compound heterozygous state in an individual with hearing loss (Park et al. 2014. PubMed ID: 25373420). This variant was also described in large cohorts of individuals with hearing loss; in at least one patient, a second potentially causative variant was not identified (Table S2, Usami et al. 2021. PubMed ID: 34599366; Kim et al. 2016. PubMed ID: 27792758). This variant is reported in 0.011% of alleles in individuals of East Asian descent in gnomAD. Although we suspect that this variant may be pathogenic, at this time, the clinical significance of this variant is uncertain due to the absence of conclusive functional and genetic evidence.

Blueprint Genetics
Classification: Uncertain significance. Last evaluated: 2024-06-07. Review status: criteria provided, single submitter. Criteria: ACMG Guidelines, 2015. Collection method: clinical testing. Allele origin: germline.

Fulgent Genetics
Classification: Likely pathogenic for Usher syndrome type 1D; Autosomal recessive nonsyndromic hearing loss 12; Pituitary adenoma 5, multiple types. Last evaluated: 2024-02-09. Review status: criteria provided, single submitter. Criteria: ACMG Guidelines, 2015. Collection method: clinical testing. Allele origin: germline.

Labcorp Genetics (formerly Invitae), Labcorp
Classification: Uncertain significance. Last evaluated: 2022-11-01. Review status: criteria provided, single submitter. Criteria: Invitae Variant Classification Sherloc (09022015). Collection method: clinical testing. Allele origin: germline.
Comment: This sequence change replaces arginine, which is basic and polar, with histidine, which is basic and polar, at codon 1916 of the CDH23 protein (p.Arg1916His). This variant is present in population databases (rs746971522, gnomAD 0.01%). This missense change has been observed in individual(s) with deafness (PMID: 25373420, 27792758). ClinVar contains an entry for this variant (Variation ID: 631640). Advanced modeling of protein sequence and biophysical properties (such as structural, functional, and spatial information, amino acid conservation, physicochemical variation, residue mobility, and thermodynamic stability) has been performed at Invitae for this missense variant, however the output from this modeling did not meet the statistical confidence thresholds required to predict the impact of this variant on CDH23 protein function. In summary, the available evidence is currently insufficient to determine the role of this variant in disease. Therefore, it has been classified as a Variant of Uncertain Significance.

3billion
Classification: Uncertain significance for Autosomal recessive nonsyndromic hearing loss 12. Last evaluated: 2022-09-01. Review status: criteria provided, single submitter. Criteria: ACMG Guidelines, 2015. Collection method: clinical testing. Allele origin: germline. Affected: yes. Observed: 1 heterozygote.
Comment: The variant is observed at an extremely low frequency in the gnomAD v2.1.1 dataset (total allele frequency: 0.003%). While this variant results in missense change, protein truncation variants are a common disease-causing mechanism. In silico tool predictions suggest damaging effect of the variant on gene or gene product (REVEL: 0.74; 3Cnet: 0.41). Same nucleotide change resulting in same amino acid change has been previously reported to be associated with CDH23-related disorder (PMID: 25373420). However, the evidence of pathogenicity is insufficient at this time. Therefore, this variant is classified as uncertain significance according to the recommendation of ACMG/AMP guideline.

Women's Health and Genetics/Laboratory Corporation of America, LabCorp
Classification: Uncertain significance. Last evaluated: 2022-03-09. Review status: criteria provided, single submitter. Criteria: LabCorp Variant Classification Summary - May 2015. Collection method: clinical testing. Allele origin: germline.
Comment: Variant summary: CDH23 c.5747G>A (p.Arg1916His) results in a non-conservative amino acid change located in the Cadherin-like domain (IPR002126) of the encoded protein sequence. Four of five in-silico tools predict a damaging effect of the variant on protein function. The variant allele was found at a frequency of 2.9e-05 in 237774 control chromosomes (gnomAD). The available data on variant occurrences in the general population are insufficient to allow any conclusion about variant significance. c.5747G>A has been reported in the literature in at least one compound heterozygous individual diagnosed with non-syndromic hearing loss (Park_2014). This data does not allow any conclusion about variant significance. To our knowledge, no experimental evidence demonstrating an impact on protein function has been reported. One ClinVar submitter has assessed the variant since 2014: the variant was classified as of uncertain significance. Based on the evidence outlined above, the variant was classified as uncertain significance.

Literature cited by the submitters: PubMed 25373420 (cited by 3 submitters); PubMed 27792758 (cited by Labcorp Genetics (formerly Invitae), Labcorp and Women's Health and Genetics/Laboratory Corporation of America, LabCorp); PubMed 32238869 (cited by Women's Health and Genetics/Laboratory Corporation of America, LabCorp).